The following is an entry in ClinVar:

ClinVar aggregate classification (germline): Uncertain significance. Review status: criteria provided, multiple submitters, no conflicts (2 of 4 stars). 2 submissions from 2 submitters: Uncertain significance (2). Last evaluated 2025-05-05.

Conditions:
Cardiovascular phenotype. Identifiers: MedGen CN230736.
Catecholaminergic polymorphic ventricular tachycardia (CVPT). Also called: Catecholamine-induced polymorphic ventricular tachycardia. Identifiers: Orphanet 3286, MedGen C5574922, MONDO:0017990.

Submissions (2):

Ambry Genetics
Classification: Uncertain significance for Cardiovascular phenotype. Last evaluated: 2025-05-05. Review status: criteria provided, single submitter. Criteria: Ambry Variant Classification Scheme 2023. Collection method: clinical testing. Allele origin: germline.
Comment: The p.P3312T variant (also known as c.9934C>A), located in coding exon 69 of the RYR2 gene, results from a C to A substitution at nucleotide position 9934. The proline at codon 3312 is replaced by threonine, an amino acid with highly similar properties. This amino acid position is well conserved in available vertebrate species. In addition, this alteration is predicted to be tolerated by in silico analysis. Based on the available evidence, the clinical significance of this variant remains unclear.

All of Us Research Program, National Institutes of Health
Classification: Uncertain significance for Catecholaminergic polymorphic ventricular tachycardia. Last evaluated: 2024-05-14. Review status: criteria provided, single submitter. Criteria: ACMG Guidelines, 2015. Collection method: clinical testing. Allele origin: germline. Inheritance: Autosomal dominant inheritance. Observed: 1 variant allele, 1 heterozygote.
Comment: This missense variant replaces proline with threonine at codon 3312 of the RYR2 protein. Computational prediction suggests that this variant may not impact protein structure and function (internally defined REVEL score threshold <= 0.5, PMID: 27666373). To our knowledge, functional studies have not been reported for this variant. This variant has not been reported in individuals affected with RYR2-related disorders in the literature. This variant has not been identified in the general population by the Genome Aggregation Database (gnomAD). The available evidence is insufficient to determine the role of this variant in disease conclusively. Therefore, this variant is classified as a Variant of Uncertain Significance.

This study involves interpretation of variants in research participants for the purpose of population health screening. Participant phenotype was not available at the time of variant classification. Additional details can be found in publication PMID: 35346344, PMCID: PMC8962531

NM_001035.3(RYR2):c.9934C>A (p.Pro3312Thr)

Gene: RYR2 (ryanodine receptor 2; plus strand). Cytogenetic location: 1q43.
Variant type: single nucleotide variant.
Coding change: c.9934C>A on transcript NM_001035.3 (MANE Select); coding-DNA position 9934, C replaced by A.
Protein change: p.Pro3312Thr; replaces proline 3312 with threonine.
Molecular consequence: missense variant.
Genome position (GRCh38, 1-based): chr1:237,708,890, C>A. VCF-style: chr1-237708890-C-A. GRCh37 (hg19) VCF-style: chr1-237872190-C-A.
Other names: c.9934C>A (NM_001035.2); short protein forms P3312T.
Identifiers: ClinVar variation 3385823 (VCV003385823.2).